The following is an entry in ClinVar:

NM_015231.3(NUP160):c.931C>T (p.Arg311Trp)

Gene: NUP160 (nucleoporin 160; minus strand). Cytogenetic location: 11p11.2.
Variant type: single nucleotide variant.
Coding change: c.931C>T on transcript NM_015231.3 (MANE Select); coding-DNA position 931, C replaced by T.
Protein change: p.Arg311Trp; replaces arginine 311 with tryptophan.
Molecular consequence: missense variant. On other transcripts: non-coding transcript variant (1).
Genome position (GRCh38, 1-based): chr11:47,835,719, G>A on the plus strand (C>T on the coding strand, the complement: NUP160 is on the minus strand). VCF-style: chr11-47835719-G-A. GRCh37 (hg19) VCF-style: chr11-47857271-G-A.
Other names: short protein forms R311W.
Identifiers: ClinVar variation 2006439 (VCV002006439.4), dbSNP rs1295483410, ClinGen allele CA380391956.

ClinVar aggregate classification (germline): Uncertain significance (1 of 4 stars; one submission).

Allele frequency attached by ClinVar (database versions not stated): gnomAD exomes below 0.00001.

Submission:

Labcorp Genetics (formerly Invitae), Labcorp
Classification: Uncertain significance. Last evaluated: 2022-06-14. Review status: criteria provided, single submitter. Criteria: Invitae Variant Classification Sherloc (09022015). Collection method: clinical testing. Allele origin: germline.
Comment: This variant has not been reported in the literature in individuals affected with NUP160-related conditions. This variant is not present in population databases (gnomAD no frequency). This sequence change replaces arginine, which is basic and polar, with tryptophan, which is neutral and slightly polar, at codon 345 of the NUP160 protein (p.Arg345Trp). Algorithms developed to predict the effect of missense changes on protein structure and function are either unavailable or do not agree on the potential impact of this missense change (SIFT: "Not Available"; PolyPhen-2: "Probably Damaging"; Align-GVGD: "Not Available"). In summary, the available evidence is currently insufficient to determine the role of this variant in disease. Therefore, it has been classified as a Variant of Uncertain Significance.